The following is an entry in ClinVar:

ClinVar aggregate classification (germline): Pathogenic/Likely pathogenic. Review status: criteria provided, multiple submitters, no conflicts (2 of 4 stars). 5 submissions from 5 submitters: Pathogenic (2); Likely pathogenic (3). Last evaluated 2025-12-29.

Conditions:
CASR-related disorder. Also called: CASR-related condition.
Autosomal dominant hypocalcemia 1 (HYPOC1). Also called: HYPOCALCEMIA, FAMILIAL. Identifiers: MedGen C3715128, MONDO:0011013, OMIM 601198.
Familial hypocalciuric hypercalcemia (FHH). Also called: Familial benign hypercalcemia. Identifiers: Orphanet 405, MedGen C1809471, MONDO:0018458.

Allele frequency attached by ClinVar (database versions not stated): gnomAD exomes below 0.00001.
gnomAD v4.1: 1 of 1,613,798 alleles (0.000062%); highest among the groups gnomAD compares: Non-Finnish European, 0.000085%; no homozygotes.

Submissions (5):

Center for Genomic Medicine, Rigshospitalet, Copenhagen University Hospital
Classification: Likely pathogenic. Last evaluated: 2025-12-29. Review status: criteria provided, single submitter. Criteria: ACMG Guidelines, 2015. Collection method: clinical testing. Allele origin: germline.
Comment: Classification criteria: PP3_moderate, PS3_moderate, PM2_supporting, PP1

Labcorp Genetics (formerly Invitae), Labcorp
Classification: Pathogenic for Familial hypocalciuric hypercalcemia; Autosomal dominant hypocalcemia 1. Last evaluated: 2024-12-12. Review status: criteria provided, single submitter. Criteria: Invitae Variant Classification Sherloc (09022015). Collection method: clinical testing. Allele origin: germline.
Comment: This sequence change replaces valine, which is neutral and non-polar, with phenylalanine, which is neutral and non-polar, at codon 728 of the CASR protein (p.Val728Phe). This variant is not present in population databases (gnomAD no frequency). This missense change has been observed in individual(s) with familial hypocalciuric hypercalcemia (PMID: 17698911). It has also been observed to segregate with disease in related individuals. ClinVar contains an entry for this variant (Variation ID: 2203421). An algorithm developed to predict the effect of missense changes on protein structure and function (PolyPhen-2) suggests that this variant is likely to be disruptive. For these reasons, this variant has been classified as Pathogenic.

Women's Health and Genetics/Laboratory Corporation of America, LabCorp
Classification: Pathogenic for Familial hypocalciuric hypercalcemia. Last evaluated: 2024-11-13. Review status: criteria provided, single submitter. Criteria: LabCorp Variant Classification Summary - May 2015. Collection method: clinical testing. Allele origin: germline.
Comment: Variant summary: CASR c.2182G>T (p.Val728Phe) results in a non-conservative amino acid change located in the G-protein coupled receptors family 3 profile domain of the encoded protein sequence. Five of five in-silico tools predict a damaging effect of the variant on protein function. The variant was absent in 251060 control chromosomes. p.Val728Phe has been reported in the literature in multiple individuals affected with Familial Hypocalciuric Hypercalcemia (examples: Nissen_2007 and Christensen_2008). These data indicate that the variant is very likely to be associated with disease. To our knowledge, no experimental evidence demonstrating an impact on protein function has been reported. The following publications have been ascertained in the context of this evaluation (PMID: 17698911, 18410554). ClinVar contains an entry for this variant (Variation ID: 2203421). Based on the evidence outlined above, the variant was classified as pathogenic.

Clinical Genetics Laboratory, Skane University Hospital Lund
Classification: Likely pathogenic. Last evaluated: 2023-12-18. Review status: criteria provided, single submitter. Criteria: ACMG Guidelines, 2015. Collection method: clinical testing. Allele origin: germline. Affected: yes.

Blueprint Genetics
Classification: Likely pathogenic for CASR-related disorders. Last evaluated: 2023-02-14. Review status: criteria provided, single submitter. Criteria: ACMG Guidelines, 2015. Collection method: clinical testing. Allele origin: germline. Affected: yes. Observed: 2 variant alleles.

Literature cited by the submitters: PubMed 17698911 (cited by 3 submitters); PubMed 18410554 (cited by Women's Health and Genetics/Laboratory Corporation of America, LabCorp).

NM_000388.4(CASR):c.2182G>T (p.Val728Phe)

Gene: CASR (calcium sensing receptor; plus strand). Cytogenetic location: 3q21.1.
Variant type: single nucleotide variant.
Coding change: c.2182G>T on transcript NM_000388.4 (MANE Select); coding-DNA position 2182, G replaced by T.
Protein change: p.Val728Phe; replaces valine 728 with phenylalanine.
Molecular consequence: missense variant.
Genome position (GRCh38, 1-based): chr3:122,284,136, G>T. VCF-style: chr3-122284136-G-T. GRCh37 (hg19) VCF-style: chr3-122002983-G-T.
Other names: c.2212G>T, p.Val738Phe (NM_001178065.2); short protein forms V728F, V738F.
Identifiers: ClinVar variation 2203421 (VCV002203421.10), dbSNP rs1576877587, ClinGen allele CA354158923.
Genomic context (GRCh38, chr3:122,284,136, plus strand): 5'-GCCAAGATCCCCACCAGCTTCCACCGCAAGTGGTGGGGGCTCAACCTGCAGTTCCTGCTG[G>T]TTTTCCTCTGCACCTTCATGCAGATTGTCATCTGTGTGATCTGGCTCTACACCGCGCCCC-3'
Protein context (NP_000379.3, residues 718-738): WWGLNLQFLL[Val728Phe]FLCTFMQIVI